The following is an entry in ClinVar:

NM_182895.5(SCARF2):c.145C>A (p.Arg49Ser)

Gene: SCARF2 (scavenger receptor class F member 2; minus strand). Cytogenetic location: 22q11.21.
Variant type: single nucleotide variant.
Coding change: c.145C>A on transcript NM_182895.5 (MANE Select); coding-DNA position 145, C replaced by A.
Protein change: p.Arg49Ser; replaces arginine 49 with serine.
Molecular consequence: missense variant.
Genome position (GRCh38, 1-based): chr22:20,437,610, G>T on the plus strand (C>A on the coding strand, the complement: SCARF2 is on the minus strand). VCF-style: chr22-20437610-G-T. GRCh37 (hg19) VCF-style: chr22-20791897-G-T.
Other names: c.145C>A, p.Arg49Ser (NM_153334.7); short protein forms R49S.
Identifiers: ClinVar variation 1416723 (VCV001416723.8), dbSNP rs1263267535, ClinGen allele CA410749961.

ClinVar aggregate classification (germline): Uncertain significance (1 of 4 stars; one submission).

Allele frequency attached by ClinVar (database versions not stated): gnomAD 0.00001; TOPMed 0.00001.
gnomAD v4.1: 3 of 1,572,090 alleles (0.00019%); highest among the groups gnomAD compares: Non-Finnish European, 0.000086%; no homozygotes.

Submission:

Labcorp Genetics (formerly Invitae), Labcorp
Classification: Uncertain significance. Last evaluated: 2021-07-07. Review status: criteria provided, single submitter. Criteria: Invitae Variant Classification Sherloc (09022015). Collection method: clinical testing. Allele origin: germline.
Comment: This sequence change replaces arginine with serine at codon 49 of the SCARF2 protein (p.Arg49Ser). The arginine residue is weakly conserved and there is a moderate physicochemical difference between arginine and serine. The frequency data for this variant in the population databases is considered unreliable, as metrics indicate insufficient coverage at this position in the ExAC database. This variant has not been reported in the literature in individuals affected with SCARF2-related conditions. Algorithms developed to predict the effect of missense changes on protein structure and function (SIFT, PolyPhen-2, Align-GVGD) all suggest that this variant is likely to be tolerated. In summary, the available evidence is currently insufficient to determine the role of this variant in disease. Therefore, it has been classified as a Variant of Uncertain Significance.